The following is an entry in ClinVar:

NM_002485.5(NBN):c.275A>G (p.Lys92Arg)

Gene: NBN (nibrin; minus strand). Cytogenetic location: 8q21.3.
Variant type: single nucleotide variant.
Coding change: c.275A>G on transcript NM_002485.5 (MANE Select); coding-DNA position 275, A replaced by G.
Protein change: p.Lys92Arg; replaces lysine 92 with arginine.
Molecular consequence: missense variant.
Genome position (GRCh38, 1-based): chr8:89,981,420, T>C on the plus strand (A>G on the coding strand, the complement: NBN is on the minus strand). VCF-style: chr8-89981420-T-C. GRCh37 (hg19) VCF-style: chr8-90993648-T-C.
Other names: c.29A>G, p.Lys10Arg (NM_001024688.3); short protein forms K92R, K10R.
Identifiers: ClinVar variation 485915 (VCV000485915.11), dbSNP rs1554568311, ClinGen allele CA371662427.

ClinVar aggregate classification (germline): Uncertain significance. Review status: criteria provided, multiple submitters, no conflicts (2 of 4 stars). 2 submissions from 2 submitters: Uncertain significance (2). Last evaluated 2024-03-13.

Conditions:
Microcephaly, normal intelligence and immunodeficiency (NBS). Also called: BERLIN BREAKAGE SYNDROME; Ataxia telangiectasia variant V1; IMMUNODEFICIENCY, MICROCEPHALY, AND CHROMOSOMAL INSTABILITY; SEEMANOVA SYNDROME II; Immunodeficiency, microcephaly with normal intelligence; Nijmegen breakage syndrome. Identifiers: Orphanet 647, MedGen C0398791, MONDO:0009623, OMIM 251260.
Hereditary cancer-predisposing syndrome. Also called: Tumor predisposition; Neoplastic Syndromes, Hereditary; Hereditary Cancer Syndrome; Hereditary neoplastic syndrome. Identifiers: Orphanet 140162, MedGen C0027672, MeSH D009386, MONDO:0015356.

gnomAD v4.1: 1 of 1,614,080 alleles (0.000062%); no homozygotes.

Submissions (2):

Ambry Genetics
Classification: Uncertain significance for Hereditary cancer-predisposing syndrome. Last evaluated: 2024-03-13. Review status: criteria provided, single submitter. Criteria: Ambry Variant Classification Scheme 2023. Collection method: clinical testing. Allele origin: germline.
Comment: The p.K92R variant (also known as c.275A>G), located in coding exon 3 of the NBN gene, results from an A to G substitution at nucleotide position 275. The lysine at codon 92 is replaced by arginine, an amino acid with highly similar properties. This amino acid position is well conserved in available vertebrate species. In addition, this alteration is predicted to be tolerated by in silico analysis. Since supporting evidence is limited at this time, the clinical significance of this alteration remains unclear.

Labcorp Genetics (formerly Invitae), Labcorp
Classification: Uncertain significance for Microcephaly, normal intelligence and immunodeficiency. Last evaluated: 2022-08-06. Review status: criteria provided, single submitter. Criteria: Invitae Variant Classification Sherloc (09022015). Collection method: clinical testing. Allele origin: germline.
Comment: This sequence change replaces lysine, which is basic and polar, with arginine, which is basic and polar, at codon 92 of the NBN protein (p.Lys92Arg). This variant is not present in population databases (gnomAD no frequency). This variant has not been reported in the literature in individuals affected with NBN-related conditions. ClinVar contains an entry for this variant (Variation ID: 485915). Algorithms developed to predict the effect of missense changes on protein structure and function (SIFT, PolyPhen-2, Align-GVGD) all suggest that this variant is likely to be tolerated. In summary, the available evidence is currently insufficient to determine the role of this variant in disease. Therefore, it has been classified as a Variant of Uncertain Significance.